The following is an entry in ClinVar:

ClinVar aggregate classification (germline): Uncertain significance (1 of 4 stars; one submission).

Conditions:
Arrhythmogenic right ventricular dysplasia 9 (ARVD9). Also called: Arrhythmogenic Right Ventricular Dysplasia/Cardiomyopathy 9; ARRHYTHMOGENIC RIGHT VENTRICULAR DYSPLASIA, FAMILIAL, 9. Identifiers: MedGen C1836906, MONDO:0012180, OMIM 609040.

gnomAD v4.1: 1 of 1,609,904 alleles (0.000062%); no homozygotes.

Submission:

Labcorp Genetics (formerly Invitae), Labcorp
Classification: Uncertain significance for Arrhythmogenic right ventricular dysplasia 9. Last evaluated: 2022-11-01. Review status: criteria provided, single submitter. Criteria: Invitae Variant Classification Sherloc (09022015). Collection method: clinical testing. Allele origin: germline.
Comment: This sequence change replaces glycine, which is neutral and non-polar, with glutamic acid, which is acidic and polar, at codon 345 of the PKP2 protein (p.Gly345Glu). This variant also falls at the last nucleotide of exon 3, which is part of the consensus splice site for this exon. This variant is not present in population databases (gnomAD no frequency). This variant has not been reported in the literature in individuals affected with PKP2-related conditions. Algorithms developed to predict the effect of missense changes on protein structure and function (SIFT, PolyPhen-2, Align-GVGD) all suggest that this variant is likely to be disruptive. Variants that disrupt the consensus splice site are a relatively common cause of aberrant splicing (PMID: 17576681, 9536098). Algorithms developed to predict the effect of sequence changes on RNA splicing suggest that this variant may disrupt the consensus splice site. In summary, the available evidence is currently insufficient to determine the role of this variant in disease. Therefore, it has been classified as a Variant of Uncertain Significance.

Literature cited by the submitters: PubMed 17576681; PubMed 9536098.

NM_001005242.3(PKP2):c.1034G>A (p.Gly345Glu)

Gene: PKP2 (plakophilin 2; minus strand). Cytogenetic location: 12p11.21.
Variant type: single nucleotide variant.
Coding change: c.1034G>A on transcript NM_001005242.3 (MANE Select); coding-DNA position 1034, G replaced by A.
Protein change: p.Gly345Glu; replaces glycine 345 with glutamic acid.
Molecular consequence: missense variant.
Genome position (GRCh38, 1-based): chr12:32,877,846, C>T on the plus strand (G>A on the coding strand, the complement: PKP2 is on the minus strand). VCF-style: chr12-32877846-C-T. GRCh37 (hg19) VCF-style: chr12-33030780-C-T.
Other names: c.1034G>A, p.Gly345Glu (NM_001407155.1, NM_001407156.1, NM_001407157.1 and 2 more transcripts); c.707G>A, p.Gly236Glu (NM_001407158.1, NM_001407159.1, NM_001407160.1 and 1 more transcripts); short protein forms G236E, G345E.
Identifiers: ClinVar variation 1960493 (VCV001960493.4), dbSNP rs2541337749, ClinGen allele CA384361551.